The following is an entry in ClinVar:

ClinVar aggregate classification (germline): Pathogenic/Likely pathogenic. Review status: criteria provided, multiple submitters, no conflicts (2 of 4 stars). 2 submissions from 2 submitters: Pathogenic (1); Likely pathogenic (1). Last evaluated 2023-08-09.

Conditions:
Megalencephaly-polymicrogyria-polydactyly-hydrocephalus syndrome 2 (MPPH2). Also called: MEGALENCEPHALY-POLYMICROGYRIA-POLYDACTYLY-HYDROCEPHALUS SYNDROME 2, SOMATIC. Identifiers: Orphanet 83473, MedGen C4014738, MONDO:0014407, OMIM 615937.

Submissions (2):

3billion
Classification: Likely pathogenic for Megalencephaly-polymicrogyria-polydactyly-hydrocephalus syndrome 2. Last evaluated: 2023-08-09. Review status: criteria provided, single submitter. Criteria: ACMG Guidelines, 2015. Collection method: clinical testing. Allele origin: germline. Affected: yes.
Comment: The variant is not observed in the gnomAD v2.1.1 dataset. Predicted Consequence/Location: The variant is located in a mutational hot spot and/or well-established functional domain in which established pathogenic variants have been reported (PMID: 28969385). Missense changes are a common disease-causing mechanism. Functional studies provide moderate evidence of the variant having a damaging effect on the gene or gene product (PMID: 28969385). In silico tool predictions suggest damaging effect of the variant on gene or gene product (REVEL: 0.40; 3Cnet: 0.80). Same nucleotide change resulting in same amino acid change has been previously reported to be associated with AKT3 related disorder (ClinVar ID: VCV000422166 /PMID: 28969385). However, the evidence of pathogenicity is insufficient at this time. A different missense change at the same codon (p.Asp322Tyr) has been reported to be associated with AKT3 related disorder (ClinVar ID: VCV001065925). However the evidence of pathogenicity is insufficient at this time. Therefore, this variant is classified as Likely pathogenic according to the recommendation of ACMG/AMP guideline.

GeneDx
Classification: Pathogenic. Last evaluated: 2017-09-12. Review status: criteria provided, single submitter. Criteria: GeneDx Variant Classification (06012015). Collection method: clinical testing. Allele origin: germline. Affected: yes.
Comment: The D322N variant has not been published as a pathogenic variant, nor has it been reported as a benign variant to our knowledge. It is not observed in large population cohorts (Lek et al., 2016). The D322N variant is a semi-conservative amino acid substitution, which may impact secondary protein structure as these residues differ in some properties. This substitution occurs at a position that is conserved across species and in silico analysis predicts this variant is probably damaging to the protein structure/function. Additionally, the D322N variant has been observed as a confirmed de novo and apparently de novo change in two unrelated individuals tested at GeneDx with a phenotype consistent with an AKT3-related disorder. Therefore, D322N is interpreted to be a pathogenic variant.

Literature cited by the submitters: PubMed 28969385 (cited by 3billion).

NM_005465.7(AKT3):c.964G>A (p.Asp322Asn)

Gene: AKT3 (AKT serine/threonine kinase 3; minus strand). Cytogenetic location: 1q44.
Variant type: single nucleotide variant.
Coding change: c.964G>A on transcript NM_005465.7 (MANE Select); coding-DNA position 964, G replaced by A.
Protein change: p.Asp322Asn; replaces aspartic acid 322 with asparagine.
Molecular consequence: missense variant.
Genome position (GRCh38, 1-based): chr1:243,552,928, C>T on the plus strand (G>A on the coding strand, the complement: AKT3 is on the minus strand). VCF-style: chr1-243552928-C-T. GRCh37 (hg19) VCF-style: chr1-243716230-C-T.
Other names: c.964G>A, p.Asp322Asn (NM_001206729.2, NM_001370074.1, NM_181690.2); short protein forms D322N.
Identifiers: ClinVar variation 422166 (VCV000422166.3), dbSNP rs1064795602, ClinGen allele CA16617120.
Genomic context (GRCh38, chr1:243,552,928, plus strand): 5'-CACACATCATTTCATACATGACAACCCCTAGGCCCCACCAGTCTACTGCTCGGCCATAGT[C>T]ATTATCTTCTAACACCTAAAAGTGAAATCAGTAAAAAGATTAATTATTACATGTTAACTT-3'
Protein context (NP_005456.1, residues 312-332): YLAPEVLEDN[Asp322Asn]YGRAVDWWGL